The following is an entry in ClinVar:

NM_001267550.2(TTN):c.40928-12_40928-8del

Gene: TTN (titin; minus strand). Cytogenetic location: 2q31.2.
Variant type: Deletion.
Coding change: c.40928-12_40928-8del on transcript NM_001267550.2 (MANE Select); 12 bases into the intron before coding-DNA position 40928 through 8 bases into the intron before coding-DNA position 40928, 5 bases deleted (ACTTT; older notation c.40928-12_40928-8delACTTT).
Molecular consequence: intron variant.
Genome position (GRCh38, 1-based): chr2:178,636,807-178,636,811, AAAGT deleted on the plus strand (ACTTT on the coding strand, the reverse complement: TTN is on the minus strand); deleting any 5 consecutive bases within chr2:178,636,807-178,636,814 gives the same sequence; the c. name uses the placement nearest the transcript's 3' end. VCF-style (leftmost placement, unchanged base first): chr2-178636806-CAAAGT-C. GRCh37 (hg19) VCF-style: chr2-179501533-CAAAGT-C.
Other names: c.36005-12_36005-8delACTTT (NM_001256850.1); c.13733-12_13733-8del (NM_003319.4); c.14309-12_14309-8del (NM_133437.4); c.14108-12_14108-8del (NM_133432.3); c.33224-12_33224-8del (NM_133378.4); c.36005-12_36005-8del (NM_001256850.1).
Identifiers: ClinVar variation 422690 (VCV000422690.1), dbSNP rs1064795940, ClinGen allele CA16617377.

ClinVar aggregate classification (germline): Likely benign (1 of 4 stars; one submission).

Submission:

GeneDx
Classification: Likely benign. Last evaluated: 2018-02-09. Review status: criteria provided, single submitter. Criteria: GeneDx Variant Classification (06012015). Collection method: clinical testing. Allele origin: germline. Affected: yes.
Comment: This variant is considered likely benign or benign based on one or more of the following criteria: it is a conservative change, it occurs at a poorly conserved position in the protein, it is predicted to be benign by multiple in silico algorithms, and/or has population frequency not consistent with disease.